The following is an entry in ClinVar:

NM_006000.3(TUBA4A):c.999C>T (p.Ala333=)

Gene: TUBA4A (tubulin alpha 4a; minus strand). Cytogenetic location: 2q35.
Variant type: single nucleotide variant.
Coding change: c.999C>T on transcript NM_006000.3 (MANE Select); coding-DNA position 999, C replaced by T.
Protein change: p.Ala333=; no amino-acid change (alanine 333 retained).
Molecular consequence: synonymous variant.
Genome position (GRCh38, 1-based): chr2:219,250,700, G>A on the plus strand (C>T on the coding strand, the complement: TUBA4A is on the minus strand). VCF-style: chr2-219250700-G-A. GRCh37 (hg19) VCF-style: chr2-220115422-G-A.
Other names: p.Ala333=; c.954C>T, p.Ala318= (NM_001278552.2).
Identifiers: ClinVar variation 720914 (VCV000720914.8), dbSNP rs147351423, ClinGen allele CA2122398.

ClinVar aggregate classification (germline): Benign. Review status: criteria provided, multiple submitters, no conflicts (2 of 4 stars). 5 submissions from 5 submitters: Benign (4). 1 of the submissions does not count toward it. Last evaluated 2025-06-30.

Conditions:
TUBA4A-related disorder. Also called: TUBA4A-related condition.

Allele frequency attached by ClinVar (database versions not stated): TOPMed 0.00272; gnomAD exomes 0.00145 and 0.00081; ExAC 0.00150; ESP Exome Variant Server 0.00200; gnomAD 0.00227 and 0.00229; 1000 Genomes Project 30x 0.00406; 1000 Genomes Project 0.00319.
gnomAD v4.1: 1,595 of 1,614,202 alleles (0.099%); highest among the groups gnomAD compares: Middle Eastern, 0.63%; 8 homozygotes.

Submissions (5):

Mayo Clinic Laboratories, Mayo Clinic
Classification: Benign. Last evaluated: 2025-06-30. Review status: criteria provided, single submitter. Criteria: ACMG Guidelines, 2015. Collection method: clinical testing. Allele origin: germline. Observed: 3 variant alleles.
Comment: BA1, BP4, BP7

GeneDx
Classification: Benign. Last evaluated: 2019-10-01. Review status: criteria provided, single submitter. Criteria: GeneDx Variant Classification Process June 2021. Collection method: clinical testing. Allele origin: germline. Affected: yes.

Labcorp Genetics (formerly Invitae), Labcorp
Classification: Benign. Last evaluated: 2018-01-23. Review status: criteria provided, single submitter. Criteria: Invitae Variant Classification Sherloc (09022015). Collection method: clinical testing. Allele origin: germline.

Breakthrough Genomics
Classification: Benign. Review status: criteria provided, single submitter. Criteria: ACMG Guidelines, 2015. Collection method: not provided. Allele origin: germline. Inheritance: Autosomal dominant inheritance. Affected: yes.

PreventionGenetics, part of Exact Sciences
Classification: Benign for TUBA4A-related condition. Last evaluated: 2023-05-08. Review status: no assertion criteria provided. Collection method: clinical testing. Allele origin: germline. Not counted in ClinVar's aggregate classification.
Comment: This variant is classified as benign based on ACMG/AMP sequence variant interpretation guidelines (Richards et al. 2015 PMID: 25741868, with internal and published modifications).